The following is an entry in ClinVar:

NM_001135629.3(PPP1R21):c.763del (p.Ile255fs)

Gene: PPP1R21 (protein phosphatase 1 regulatory subunit 21; plus strand). Cytogenetic location: 2p16.3.
Variant type: Deletion.
Coding change: c.763del on transcript NM_001135629.3 (MANE Select); coding-DNA position 763, one base deleted (A; older notation c.763delA).
Protein change: p.Ile255fs; shifts the reading frame from isoleucine 255.
Molecular consequence: frameshift variant. On other transcripts: non-coding transcript variant (1).
Genome position (GRCh38, 1-based): chr2:48,465,508, A deleted. VCF-style (leftmost placement, unchanged base first): chr2-48465507-TA-T. GRCh37 (hg19) VCF-style: chr2-48692646-TA-T.
Other names: c.763del, p.Ile255fs (NM_001193475.2, NM_152994.5); c.763delA (NM_001135629.3); short protein forms I255fs.
Identifiers: ClinVar variation 2584981 (VCV002584981.2), dbSNP rs2528877481, ClinGen allele CA2582342395.

ClinVar aggregate classification (germline): Likely pathogenic. Review status: criteria provided, single submitter (1 of 4 stars). 2 submissions from 2 submitters: Likely pathogenic (1). 1 of the submissions does not count toward it.

Conditions:
Neurodevelopmental disorder with hypotonia, facial dysmorphism, and brain abnormalities (NEDHFBA). Also called: EL-HATTAB-SCHMIDTS SYNDROME; PPP1R21-Related El-Hattab-Schmidts Syndrome. Identifiers: MedGen C5543591, MONDO:0859165, OMIM 619383.

Submissions (2):

Neuberg Centre For Genomic Medicine, NCGM
Classification: Likely pathogenic for Neurodevelopmental disorder with hypotonia, facial dysmorphism, and brain abnormalities. Review status: criteria provided, single submitter. Criteria: ACMG Guidelines, 2015. Collection method: clinical testing. Allele origin: germline. Inheritance: Autosomal recessive inheritance. Affected: yes.
Comment: The c.763del (p.Ile255LeufsTer13) frameshift variant in PPP1R21 gene has not been reported previously as a pathogenic variant nor as a benign variant, to our knowledge. The p.Ile255LeufsTer13 variant is novel (not in any individuals) in gnomAD Exomes and is novel (not in any individuals) in 1000 Genomes. This variant causes a frameshift starting with codon Isoleucine 255, changes this amino acid to Leucine residue, and creates a premature Stop codon at position 13 of the new reading frame, denoted p.Ile255LeufsTer13. This variant is predicted to cause loss of normal protein function through protein truncation. Loss of function variants have been previously reported to be disease causing. For these reasons, this variant has been classified as Likely Pathogenic.

OMIM
Classification: Pathogenic for NEURODEVELOPMENTAL DISORDER WITH HYPOTONIA, FACIAL DYSMORPHISM, AND BRAIN ABNORMALITIES. Last evaluated: 2024-12-16. Review status: no assertion criteria provided. Collection method: literature only. Allele origin: germline. Not counted in ClinVar's aggregate classification.

Literature cited by the submitters: PubMed 34997808 (cited by OMIM).